The following is an entry in ClinVar:

ClinVar aggregate classification (germline): Pathogenic/Likely pathogenic. Review status: criteria provided, multiple submitters, no conflicts (2 of 4 stars). 3 submissions from 3 submitters: Pathogenic (1); Likely pathogenic (1). 1 of the submissions does not count toward it. Last evaluated 2025-12-08.

Conditions:
ABCC6-related disorder. Also called: ABCC6-related condition.
Autosomal recessive inherited pseudoxanthoma elasticum (PXE). Identifiers: Orphanet 758, MedGen CN032334, MONDO:0009925, OMIM 264800.

Submissions (3):

Labcorp Genetics (formerly Invitae), Labcorp
Classification: Pathogenic. Last evaluated: 2025-12-08. Review status: criteria provided, single submitter. Criteria: Invitae Variant Classification Sherloc (09022015). Collection method: clinical testing. Allele origin: germline.
Comment: This sequence change creates a premature translational stop signal (p.Lys1305Serfs*54) in the ABCC6 gene. It is expected to result in an absent or disrupted protein product. Loss-of-function variants in ABCC6 are known to be pathogenic (PMID: 11536079, 17617515). This variant is not present in population databases (gnomAD no frequency). This premature translational stop signal has been observed in individual(s) with pseudoxanthoma elasticum (PMID: 16086317). ClinVar contains an entry for this variant (Variation ID: 433336). For these reasons, this variant has been classified as Pathogenic.

Blueprint Genetics
Classification: Likely pathogenic for ABCC6-related disorders. Last evaluated: 2022-04-07. Review status: criteria provided, single submitter. Criteria: ACMG Guidelines, 2015. Collection method: clinical testing. Allele origin: germline. Affected: yes. Observed: 1 variant allele.

PXE International
Classification: Likely pathogenic for Autosomal recessive inherited pseudoxanthoma elasticum. Last evaluated: 2021-03-02. Review status: no assertion criteria provided. Collection method: research. Allele origin: germline. Inheritance: Autosomal recessive inheritance. Affected: yes. Observed: 2 variant alleles. Not counted in ClinVar's aggregate classification.

Literature cited by the submitters: PubMed 11536079 (cited by Labcorp Genetics (formerly Invitae), Labcorp); PubMed 17617515 (cited by Labcorp Genetics (formerly Invitae), Labcorp); PubMed 16086317 (cited by Labcorp Genetics (formerly Invitae), Labcorp and PXE International).

NM_001171.6(ABCC6):c.3912del (p.Lys1305fs)

Gene: ABCC6 (ATP binding cassette subfamily C member 6; minus strand). Cytogenetic location: 16p13.11.
Variant type: Deletion.
Coding change: c.3912del on transcript NM_001171.6 (MANE Select); coding-DNA position 3912, one base deleted (G; older notation c.3912delG).
Protein change: p.Lys1305fs; shifts the reading frame from lysine 1305.
Molecular consequence: frameshift variant. On other transcripts: non-coding transcript variant (1).
Genome position (GRCh38, 1-based): chr16:16,155,002, C deleted on the plus strand (G on the coding strand, the reverse complement: ABCC6 is on the minus strand); the first of 3 consecutive C bases (chr16:16,155,002-16,155,004); deleting any one gives the same sequence. VCF-style (leftmost placement, unchanged base first): chr16-16155001-TC-T. GRCh37 (hg19) VCF-style: chr16-16248858-TC-T.
Other names: c.3570del, p.Lys1191fs (NM_001351800.1); c.3912delG (NM_001171.5); short protein forms K1305fs, K1191fs.
Identifiers: ClinVar variation 433336 (VCV000433336.5), dbSNP rs72664236, ClinGen allele CA278625551.